The following is an entry in ClinVar:

NM_000095.3(COMP):c.867+15A>G

Gene: COMP (cartilage oligomeric matrix protein; minus strand). Cytogenetic location: 19p13.11.
Variant type: single nucleotide variant.
Coding change: c.867+15A>G on transcript NM_000095.3 (MANE Select); 15 bases into the intron after coding-DNA position 867, A replaced by G.
Molecular consequence: intron variant.
Genome position (GRCh38, 1-based): chr19:18,788,395, T>C on the plus strand (A>G on the coding strand, the complement: COMP is on the minus strand). VCF-style: chr19-18788395-T-C. GRCh37 (hg19) VCF-style: chr19-18899204-T-C.
Identifiers: ClinVar variation 391711 (VCV000391711.2), dbSNP rs1057524202, ClinGen allele CA16607771.
Genomic context (GRCh38, chr19:18,788,395, plus strand): 5'-GAAGGTGTGAGGGGCGCGGTCATGAAGTCCCGCCCTCCCTCCTGCCCAAGCCCGCCCCGC[T>C]CCGCCCCCACCCACCTTACGGCACTGGCGCTCCGGGCAGCGCAGCTTCTCGTCCGGGAAG-3'

ClinVar aggregate classification (germline): Likely benign. Review status: criteria provided, multiple submitters, no conflicts (2 of 4 stars). 2 submissions from 2 submitters: Likely benign (2). Last evaluated 2024-11-27.

Submissions (2):

Blueprint Genetics
Classification: Likely benign. Last evaluated: 2024-11-27. Review status: criteria provided, single submitter. Criteria: ACMG Guidelines, 2015. Collection method: clinical testing. Allele origin: germline.

GeneDx
Classification: Likely benign. Last evaluated: 2017-07-07. Review status: criteria provided, single submitter. Criteria: GeneDx Variant Classification (06012015). Collection method: clinical testing. Allele origin: germline. Affected: yes.
Comment: This variant is considered likely benign or benign based on one or more of the following criteria: it is a conservative change, it occurs at a poorly conserved position in the protein, it is predicted to be benign by multiple in silico algorithms, and/or has population frequency not consistent with disease.